The following is an entry in ClinVar:

ClinVar aggregate classification (germline): Pathogenic (1 of 4 stars; one submission).

Conditions:
Creatine transporter deficiency (CCDS1). Also called: CEREBRAL CREATINE DEFICIENCY SYNDROME 1; Mental retardation , X-linked with seizures, short stature and midface hypoplasia; Mental retardation , X-linked, with creatine transport deficiency; X-linked creatine transporter deficiency; X-linked creatine deficiency syndrome; SLC6A8-Related Creatine Transporter Deficiency. Identifiers: Orphanet 52503, MedGen C1845862, MONDO:0010305, OMIM 300352.

Submission:

Victorian Clinical Genetics Services, Murdoch Childrens Research Institute
Classification: Pathogenic for Creatine transporter deficiency. Last evaluated: 2023-07-17. Review status: criteria provided, single submitter. Criteria: ACMG Guidelines, 2015. Collection method: clinical testing. Allele origin: germline. Inheritance: X-linked inheritance. Affected: yes.
Comment: Based on the classification scheme VCGS_Germline_v1.3.4, this variant is classified as Pathogenic. Following criteria are met: 0102 - Loss of function is a known mechanism of disease in this gene and is associated with cerebral creatine deficiency syndrome 1 (MIM#300352). (I) 0109 - This gene is associated with X-linked disease. Heterozygous females are typically either asymptomatic or have mild intellectual disability (PMIDs: 11898126, 11326334, 20301745). No correlation has been found between skewed X-chromosome inactivation in favour of the pathogenic variant and severity of clinical phenotype (PMID: 20301745). (I) 0201 - Variant is predicted to cause nonsense-mediated decay (NMD) and loss of protein (premature termination codon is located at least 54 nucleotides upstream of the final exon-exon junction). (SP) 0251 - This variant is heterozygous. (I) 0301 - Variant is absent from gnomAD (both v2 and v3). (SP) 0701 - Other NMD predicted variants comparable to the one identified in this case have very strong previous evidence for pathogenicity (DECIPHER). (SP) 0807 - This variant has no previous evidence of pathogenicity. (I) 0905 - No published segregation evidence has been identified for this variant. (I) 1007 - No published functional evidence has been identified for this variant. (I) 1208 - Inheritance information for this variant is not currently available in this individual. (I) Legend: (SP) - Supporting pathogenic, (I) - Information, (SB) - Supporting benign

Literature cited by the submitters: PubMed 11326334; PubMed 11898126; PubMed 20301745.

NM_005629.4(SLC6A8):c.59_60delinsA (p.Gly20fs)

Gene: SLC6A8 (solute carrier family 6 member 8; plus strand). Cytogenetic location: Xq28.
Variant type: Indel.
Coding change: c.59_60delinsA on transcript NM_005629.4 (MANE Select); coding-DNA positions 59 to 60, GC replaced by A.
Protein change: p.Gly20fs; shifts the reading frame from glycine 20.
Molecular consequence: frameshift variant.
Genome position (GRCh38, 1-based): chrX:153,688,633-153,688,634, GC replaced by A. VCF-style: chrX-153688633-GC-A. GRCh37 (hg19) VCF-style: chrX-152954088-GC-A.
Other names: c.59_60delinsA, p.Gly20fs (NM_001142805.2); short protein forms G20fs.
Identifiers: ClinVar variation 3254627 (VCV003254627.2), dbSNP rs2522144511.
Genomic context (GRCh38, chrX:153,688,633, plus strand): 5'-CCATGGCGAAGAAGAGCGCCGAGAACGGCATCTATAGCGTGTCCGGCGACGAGAAGAAGG[GC>A]CCCCTCATCGCGCCCGGGCCCGACGGGGCCCCGGCCAAGGGCGACGGCCCCGTGGGCCTG-3'